The following is an entry in ClinVar:

ClinVar aggregate classification (germline): Uncertain significance (1 of 4 stars; one submission).

Conditions:
Disseminated atypical mycobacterial infection. Identifiers: MedGen C0694566.

Allele frequency attached by ClinVar (database versions not stated): gnomAD exomes below 0.00001 and 0.00001; ExAC 0.00001; TOPMed 0.00001.
gnomAD v4.1: 4 of 1,614,150 alleles (0.00025%); highest among the groups gnomAD compares: Admixed American, 0.005%; no homozygotes.

Submission:

Labcorp Genetics (formerly Invitae), Labcorp
Classification: Uncertain significance for Disseminated atypical mycobacterial infection. Last evaluated: 2021-08-20. Review status: criteria provided, single submitter. Criteria: Invitae Variant Classification Sherloc (09022015). Collection method: clinical testing. Allele origin: germline.
Comment: This variant has not been reported in the literature in individuals affected with IFNGR1-related conditions. This variant is present in population databases (rs754779431, ExAC 0.009%). This sequence change replaces lysine with arginine at codon 109 of the IFNGR1 protein (p.Lys109Arg). The lysine residue is moderately conserved and there is a small physicochemical difference between lysine and arginine. Algorithms developed to predict the effect of missense changes on protein structure and function output the following: SIFT: "Tolerated"; PolyPhen-2: "Benign"; Align-GVGD: "Class C0". The arginine amino acid residue is found in multiple mammalian species, which suggests that this missense change does not adversely affect protein function. In summary, the available evidence is currently insufficient to determine the role of this variant in disease. Therefore, it has been classified as a Variant of Uncertain Significance.

NM_000416.3(IFNGR1):c.326A>G (p.Lys109Arg)

Gene: IFNGR1 (interferon gamma receptor 1; minus strand). Cytogenetic location: 6q23.3.
Variant type: single nucleotide variant.
Coding change: c.326A>G on transcript NM_000416.3 (MANE Select); coding-DNA position 326, A replaced by G.
Protein change: p.Lys109Arg; replaces lysine 109 with arginine.
Molecular consequence: missense variant.
Genome position (GRCh38, 1-based): chr6:137,206,183, T>C on the plus strand (A>G on the coding strand, the complement: IFNGR1 is on the minus strand). VCF-style: chr6-137206183-T-C. GRCh37 (hg19) VCF-style: chr6-137527320-T-C.
Other names: c.296A>G, p.Lys99Arg (NM_001363526.1); c.203A>G, p.Lys68Arg (NM_001363527.1); short protein forms K109R, K68R, K99R.
Identifiers: ClinVar variation 1405737 (VCV001405737.6), dbSNP rs754779431, ClinGen allele CA4018995.
Genomic context (GRCh38, chr6:137,206,183, plus strand): 5'-ACATTCTACTCACCATCTCGGCATACAGCAAATTCTTCTGACTTTGCATAGGCAGATTCT[T>C]TTTGTCCAACCCTGGCTTTAACTCTGACCCAAAGAGAATTTGATGGATCACCAACATGAT-3'
Protein context (NP_000407.1, residues 99-119): WVRVKARVGQ[Lys109Arg]ESAYAKSEEF